The following is an entry in ClinVar:

ClinVar aggregate classification (germline): Pathogenic. Review status: criteria provided, multiple submitters, no conflicts (2 of 4 stars). 2 submissions from 2 submitters: Pathogenic (2). Last evaluated 2025-01-30.

Conditions:
Tay-Sachs disease (TSD). Also called: HEXA DEFICIENCY; Hexosaminidase A Deficiency; GM2 gangliosidosis, type 1; Hexosaminidase alpha-subunit deficiency (variant B); Sphingolipidosis, Tay-Sachs; HEXA Disorders. Identifiers: Orphanet 845, MedGen C0039373, MONDO:0010100, OMIM 272800.

Allele frequency attached by ClinVar (database versions not stated): gnomAD exomes below 0.00001.

Submissions (2):

Myriad Genetics, Inc.
Classification: Pathogenic for Tay-Sachs disease. Last evaluated: 2025-01-30. Review status: criteria provided, single submitter. Criteria: Myriad Autosomal Dominant, Autosomal Recessive and X-Linked Classification Criteria (2023). Collection method: clinical testing. Allele origin: unknown.
Comment: NM_000520.4(HEXA):c.1092_1093delTT(S365Lfs*13) is expected to be pathogenic in the context of hexosaminidase A deficiency. This variant is predicted to lead to an abnormal or absent protein product due to the creation of a premature termination codon in HEXA, a gene where loss-of-function variants are known to be pathogenic. Please note: this variant was assessed in the context of healthy population screening.

Labcorp Genetics (formerly Invitae), Labcorp
Classification: Pathogenic for Tay-Sachs disease. Last evaluated: 2023-06-28. Review status: criteria provided, single submitter. Criteria: Invitae Variant Classification Sherloc (09022015). Collection method: clinical testing. Allele origin: germline.
Comment: This sequence change creates a premature translational stop signal (p.Ser365Leufs*13) in the HEXA gene. It is expected to result in an absent or disrupted protein product. Loss-of-function variants in HEXA are known to be pathogenic (PMID: 1833974, 8490625). For these reasons, this variant has been classified as Pathogenic. This variant has not been reported in the literature in individuals affected with HEXA-related conditions. This variant is not present in population databases (gnomAD no frequency).

Literature cited by the submitters: PubMed 1833974 (cited by Labcorp Genetics (formerly Invitae), Labcorp); PubMed 8490625 (cited by Labcorp Genetics (formerly Invitae), Labcorp).

NM_000520.6(HEXA):c.1092_1093del (p.Ser365fs)

Gene: HEXA (hexosaminidase subunit alpha; minus strand). Cytogenetic location: 15q23.
Variant type: Deletion.
Coding change: c.1092_1093del on transcript NM_000520.6 (MANE Select); coding-DNA positions 1092 to 1093, 2 bases deleted (TT; older notation c.1092_1093delTT).
Protein change: p.Ser365fs; shifts the reading frame from serine 365.
Molecular consequence: frameshift variant.
Genome position (GRCh38, 1-based): chr15:72,347,739-72,347,740, AA deleted on the plus strand (TT on the coding strand, the reverse complement: HEXA is on the minus strand). VCF-style (leftmost placement, unchanged base first): chr15-72347738-GAA-G. GRCh37 (hg19) VCF-style: chr15-72640079-GAA-G.
Other names: c.1125_1126del, p.Ser376fs (NM_001318825.2); short protein forms S376fs, S365fs.
Identifiers: ClinVar variation 2731754 (VCV002731754.4), dbSNP rs2542518955, ClinGen allele CA2629342637.